The following is an entry in ClinVar:

NM_032578.4(MYPN):c.325C>T (p.Pro109Ser)

Gene: MYPN (myopalladin; plus strand). Cytogenetic location: 10q21.3.
Variant type: single nucleotide variant.
Coding change: c.325C>T on transcript NM_032578.4 (MANE Select); coding-DNA position 325, C replaced by T.
Protein change: p.Pro109Ser; replaces proline 109 with serine.
Molecular consequence: missense variant. On other transcripts: 5 prime UTR variant (1), non-coding transcript variant (1).
Genome position (GRCh38, 1-based): chr10:68,121,763, C>T. VCF-style: chr10-68121763-C-T. GRCh37 (hg19) VCF-style: chr10-69881520-C-T.
Other names: c.325C>T, p.Pro109Ser (NM_001256267.2); c.-798C>T (NM_001256268.2); c.325C>T (NM_032578.2); short protein forms P109S.
Identifiers: ClinVar variation 1312356 (VCV001312356.6), dbSNP rs748574829, ClinGen allele CA5522261.

ClinVar aggregate classification (germline): Conflicting classifications of pathogenicity. Review status: criteria provided, conflicting classifications (1 of 4 stars). 4 submissions from 4 submitters: Uncertain significance (3); Likely benign (1). Last evaluated 2025-02-12.

Conditions:
Cardiovascular phenotype. Identifiers: MedGen CN230736.
Dilated cardiomyopathy 1KK (CMD1KK). Identifiers: Orphanet 154, Orphanet 75249, MedGen C3714995, MONDO:0014100, OMIM 615248.
MYPN-related myopathy (CMYO24). Also called: Nemaline myopathy 11, autosomal recessive. Identifiers: MedGen C4479186, MONDO:0015023, OMIM 617336.
MYPN-related disorder. Also called: MYPN-related condition.

Allele frequency attached by ClinVar (database versions not stated): ExAC 0.00001; gnomAD 0.00001; gnomAD exomes 0.00001; 1000 Genomes Project 30x 0.00031.
gnomAD v4.1: 7 of 1,614,224 alleles (0.00043%); highest among the groups gnomAD compares: South Asian, 0.0011%; no homozygotes.

Submissions (4):

Ambry Genetics
Classification: Likely benign for Cardiovascular phenotype. Last evaluated: 2025-02-12. Review status: criteria provided, single submitter. Criteria: Ambry Variant Classification Scheme 2023. Collection method: clinical testing. Allele origin: germline.

Daryl Scott Lab, Baylor College of Medicine
Classification: Uncertain significance for MYPN-related disorder. Last evaluated: 2024-01-01. Review status: criteria provided, single submitter. Criteria: ACMG Guidelines, 2015. Collection method: clinical testing. Allele origin: unknown. Observed: 1 heterozygote.
Comment: no criteria met

Fulgent Genetics
Classification: Uncertain significance for Dilated cardiomyopathy 1KK; MYPN-related myopathy. Last evaluated: 2021-09-03. Review status: criteria provided, single submitter. Criteria: ACMG Guidelines, 2015. Collection method: clinical testing. Allele origin: unknown.

GeneDx
Classification: Uncertain significance. Last evaluated: 2019-09-12. Review status: criteria provided, single submitter. Criteria: GeneDx Variant Classification Process June 2021. Collection method: clinical testing. Allele origin: germline. Affected: yes.
Comment: Has not been previously published as pathogenic or benign to our knowledge; Not observed at a significant frequency in large population cohorts (Lek et al., 2016); In silico analysis, which includes protein predictors and evolutionary conservation, supports that this variant does not alter protein structure/function